The following is an entry in ClinVar:

ClinVar aggregate classification (germline): Uncertain significance (1 of 4 stars; one submission).

Submission:

Greenwood Genetic Center Diagnostic Laboratories, Greenwood Genetic Center
Classification: Uncertain significance. Last evaluated: 2025-11-04. Review status: criteria provided, single submitter. Criteria: ACMG Guidelines, 2015. Collection method: clinical testing. Allele origin: germline. Affected: yes.
Comment: PM2

NM_004068.4(AP2M1):c.340+73G>C

Gene: AP2M1 (adaptor related protein complex 2 subunit mu 1; plus strand). Cytogenetic location: 3q27.1.
Variant type: single nucleotide variant.
Coding change: c.340+73G>C on transcript NM_004068.4 (MANE Select); 73 bases into the intron after coding-DNA position 340, G replaced by C.
Molecular consequence: intron variant.
Genome position (GRCh38, 1-based): chr3:184,179,195, G>C. VCF-style: chr3-184179195-G-C. GRCh37 (hg19) VCF-style: chr3-183896983-G-C.
Other names: c.415+73G>C (NM_001311198.2); c.340+73G>C (NM_001025205.2).
Identifiers: ClinVar variation 4845439 (VCV004845439.1).